The following is an entry in ClinVar:

NM_000520.6(HEXA):c.551_552del (p.Leu183_Ser184insTer)

Gene: HEXA (hexosaminidase subunit alpha; minus strand). Cytogenetic location: 15q23.
Variant type: Microsatellite.
Coding change: c.551_552del on transcript NM_000520.6 (MANE Select); coding-DNA positions 551 to 552, 2 bases deleted (CT; older notation c.551_552delCT).
Protein change: p.Leu183_Ser184insTer.
Molecular consequence: nonsense. On other transcripts: non-coding transcript variant (1).
Genome position (GRCh38, 1-based): chr15:72,353,086-72,353,087, AG deleted on the plus strand (CT on the coding strand, the reverse complement: HEXA is on the minus strand); deleting any 2 consecutive bases within chr15:72,353,086-72,353,091 gives the same sequence; the c. name uses the placement nearest the transcript's 3' end. VCF-style (leftmost placement, unchanged base first): chr15-72353085-TAG-T. GRCh37 (hg19) VCF-style: chr15-72645426-TAG-T.
Other names: c.584_585del, p.Leu194_Ser195insTer (NM_001318825.2).
Identifiers: ClinVar variation 557182 (VCV000557182.7), dbSNP rs1555473070, ClinGen allele CA658824866.

ClinVar aggregate classification (germline): Pathogenic. Review status: criteria provided, single submitter (1 of 4 stars). 2 submissions from 2 submitters: Pathogenic (1). 1 of the submissions does not count toward it. Last evaluated 2023-05-31.

Conditions:
Tay-Sachs disease (TSD). Also called: HEXA Disorders; HEXA DEFICIENCY; Hexosaminidase A Deficiency; GM2 gangliosidosis, type 1; Hexosaminidase alpha-subunit deficiency (variant B); Sphingolipidosis, Tay-Sachs. Identifiers: Orphanet 845, MedGen C0039373, MONDO:0010100, OMIM 272800.

Submissions (2):

Labcorp Genetics (formerly Invitae), Labcorp
Classification: Pathogenic for Tay-Sachs disease. Last evaluated: 2023-05-31. Review status: criteria provided, single submitter. Criteria: Invitae Variant Classification Sherloc (09022015). Collection method: clinical testing. Allele origin: germline.
Comment: This sequence change creates a premature translational stop signal (p.Ser184*) in the HEXA gene. It is expected to result in an absent or disrupted protein product. Loss-of-function variants in HEXA are known to be pathogenic (PMID: 1833974, 8490625). For these reasons, this variant has been classified as Pathogenic. Algorithms developed to predict the effect of sequence changes on RNA splicing suggest that this variant may disrupt the consensus splice site. ClinVar contains an entry for this variant (Variation ID: 557182). This variant has not been reported in the literature in individuals affected with HEXA-related conditions. This variant is not present in population databases (gnomAD no frequency).

Counsyl
Classification: Likely pathogenic for Tay-Sachs disease. Last evaluated: 2018-03-12. Review status: no assertion criteria provided. Collection method: clinical testing. Allele origin: unknown. Not counted in ClinVar's aggregate classification.

Literature cited by the submitters: PubMed 1833974 (cited by Labcorp Genetics (formerly Invitae), Labcorp); PubMed 8490625 (cited by Labcorp Genetics (formerly Invitae), Labcorp).